The following is an entry in ClinVar:

ClinVar aggregate classification (germline): Likely benign. Review status: criteria provided, multiple submitters, no conflicts (2 of 4 stars). 3 submissions from 3 submitters: Likely benign (3). Last evaluated 2023-12-29.

Conditions:
Aneurysm-osteoarthritis syndrome. Also called: SMAD3-Related Loeys-Dietz Syndrome; ANEURYSMS-OSTEOARTHRITIS SYNDROME; Loeys-Dietz syndrome, type 1C; LOEYS-DIETZ SYNDROME WITH OSTEOARTHRITIS. Identifiers: Orphanet 284984, MedGen C3151087, MONDO:0013426, OMIM 613795.
Familial thoracic aortic aneurysm and aortic dissection (TAAD). Also called: Thoracic aortic aneurysms and dissections. Identifiers: Orphanet 91387, MedGen C4707243, MONDO:0019625.

gnomAD v4.1: 7 of 1,610,346 alleles (0.00043%); highest among the groups gnomAD compares: Non-Finnish European, 0.00051%; no homozygotes.

Submissions (3):

Ambry Genetics
Classification: Likely benign for Familial thoracic aortic aneurysm and aortic dissection. Last evaluated: 2023-12-29. Review status: criteria provided, single submitter. Criteria: Ambry Variant Classification Scheme 2023. Collection method: clinical testing. Allele origin: germline.

All of Us Research Program, National Institutes of Health
Classification: Likely benign for Aneurysm-osteoarthritis syndrome. Last evaluated: 2023-10-02. Review status: criteria provided, single submitter. Criteria: ACMG Guidelines, 2015. Collection method: clinical testing. Allele origin: germline. Inheritance: Autosomal dominant inheritance. Observed: 2 variant alleles, 2 heterozygotes.
Comment: This study involves interpretation of variants in research participants for the purpose of population health screening. Participant phenotype was not available at the time of variant classification. Additional details can be found in publication PMID: 35346344, PMCID: PMC8962531

Labcorp Genetics (formerly Invitae), Labcorp
Classification: Likely benign for Familial thoracic aortic aneurysm and aortic dissection. Last evaluated: 2023-03-08. Review status: criteria provided, single submitter. Criteria: Invitae Variant Classification Sherloc (09022015). Collection method: clinical testing. Allele origin: germline.

NM_005902.4(SMAD3):c.33C>T (p.Ile11=)

Genes: SMAD3 (SMAD family member 3; plus strand), LOC130057352 (ATAC-STARR-seq lymphoblastoid silent region 6574; plus strand). Cytogenetic location: 15q22.33.
Variant type: single nucleotide variant.
Coding change: c.33C>T on transcript NM_005902.4 (MANE Select); coding-DNA position 33, C replaced by T.
Protein change: p.Ile11=; no amino-acid change (isoleucine 11 retained).
Molecular consequence: synonymous variant.
Genome position (GRCh38, 1-based): chr15:67,066,187, C>T. VCF-style: chr15-67066187-C-T. GRCh37 (hg19) VCF-style: chr15-67358525-C-T.
Other names: c.33C>T, p.Ile11= (NM_001407011.1, NM_001407012.1, NM_001407013.1); c.33C>T (NM_005902.3).
Identifiers: ClinVar variation 2919472 (VCV002919472.5), dbSNP rs750644348, ClinGen allele CA491015142.
Genomic context (GRCh38, chr15:67,066,187, plus strand): 5'-CCTCGCCGCCCGCGCGCCCTCCCCAGCCATGTCGTCCATCCTGCCTTTCACTCCCCCGAT[C>T]GTGAAGCGCCTGCTGGGCTGGAAGAAGGGCGAGCAGAACGGGCAGGAGGAGAAATGGTGC-3'
Protein context (NP_005893.1, residues 1-21): MSSILPFTPP[Ile11=]VKRLLGWKKG